The following is an entry in ClinVar:

ClinVar aggregate classification (germline): Pathogenic (1 of 4 stars; one submission).

Submission:

Labcorp Genetics (formerly Invitae), Labcorp
Classification: Pathogenic. Last evaluated: 2024-06-24. Review status: criteria provided, single submitter. Criteria: Invitae Variant Classification Sherloc (09022015). Collection method: clinical testing. Allele origin: germline.
Comment: This sequence change creates a premature translational stop signal (p.Ser1424Leufs*6) in the MCM3AP gene. It is expected to result in an absent or disrupted protein product. Loss-of-function variants in MCM3AP are known to be pathogenic (PMID: 28633435). This variant is not present in population databases (gnomAD no frequency). This variant has not been reported in the literature in individuals affected with MCM3AP-related conditions. For these reasons, this variant has been classified as Pathogenic.

Literature cited by the submitters: PubMed 28633435.

NM_003906.5(MCM3AP):c.4270del (p.Ser1424fs)

Genes: MCM3AP (minichromosome maintenance complex component 3 associated protein; minus strand), MCM3AP-AS1 (MCM3AP antisense RNA 1; plus strand). Cytogenetic location: 21q22.3.
Variant type: Deletion.
Coding change: c.4270del on transcript NM_003906.5 (MANE Select); coding-DNA position 4270, one base deleted (T; older notation c.4270delT).
Protein change: p.Ser1424fs; shifts the reading frame from serine 1424.
Molecular consequence: frameshift variant. On other transcripts: non-coding transcript variant (2).
Genome position (GRCh38, 1-based): chr21:46,251,549, A deleted on the plus strand (T on the coding strand, the reverse complement: MCM3AP is on the minus strand); the first of 3 consecutive A bases (chr21:46,251,549-46,251,551); deleting any one gives the same sequence. VCF-style (leftmost placement, unchanged base first): chr21-46251548-GA-G. GRCh37 (hg19) VCF-style: chr21-47671462-GA-G.
Other names: short protein forms S1424fs.
Identifiers: ClinVar variation 3657659 (VCV003657659.2).